The following is an entry in ClinVar:

ClinVar aggregate classification (germline): Likely pathogenic (1 of 4 stars; one submission).

Submission:

CeGaT Center for Human Genetics Tuebingen
Classification: Likely pathogenic. Last evaluated: 2025-08-01. Review status: criteria provided, single submitter. Criteria: CeGaT Center For Human Genetics Tuebingen Variant Classification Criteria Version 2. Collection method: clinical testing. Allele origin: germline. Affected: yes. Observed: 1 variant allele.
Comment: MED13L: PM2, PS2:Moderate, PVS1:Moderate

NM_015335.5(MED13L):c.5890+1G>C

Gene: MED13L (mediator complex subunit 13L; minus strand). Cytogenetic location: 12q24.21.
Variant type: single nucleotide variant.
Coding change: c.5890+1G>C on transcript NM_015335.5 (MANE Select); the canonical splice donor site of the intron after coding-DNA position 5890, G replaced by C.
Molecular consequence: splice donor variant.
Genome position (GRCh38, 1-based): chr12:115,972,077, C>G on the plus strand (G>C on the coding strand, the complement: MED13L is on the minus strand). VCF-style: chr12-115972077-C-G. GRCh37 (hg19) VCF-style: chr12-116409882-C-G.
Identifiers: ClinVar variation 4085877 (VCV004085877.8).
Genomic context (GRCh38, chr12:115,972,077, plus strand): 5'-AGTTTGAGTGGACTGAATTGATGTGATATGTAATTAATGACAATGACAAGAAGAAATTTA[C>G]CTGGCATCACTACAAAGGACCCCTGGGGCTCCATGGCAACCAGGCAGGCACTAAGGATAG-3'